The following is an entry in ClinVar:

NM_001007228.2(SPOP):c.973A>G (p.Ile325Val)

Gene: SPOP (speckle type BTB/POZ protein; minus strand). Cytogenetic location: 17q21.33.
Variant type: single nucleotide variant.
Coding change: c.973A>G on transcript NM_001007228.2 (MANE Select); coding-DNA position 973, A replaced by G.
Protein change: p.Ile325Val; replaces isoleucine 325 with valine.
Molecular consequence: missense variant.
Genome position (GRCh38, 1-based): chr17:49,601,872, T>C on the plus strand (A>G on the coding strand, the complement: SPOP is on the minus strand). VCF-style: chr17-49601872-T-C. GRCh37 (hg19) VCF-style: chr17-47679234-T-C.
Other names: c.973A>G, p.Ile325Val (NM_001007230.1, NM_001370730.1, NM_001370731.1 and 5 more transcripts); short protein forms I325V.
Identifiers: ClinVar variation 3368524 (VCV003368524.2).

ClinVar aggregate classification (germline): Uncertain significance. Review status: criteria provided, multiple submitters, no conflicts (2 of 4 stars). 2 submissions from 2 submitters: Uncertain significance (2). Last evaluated 2026-06-11.

Conditions:
Inborn genetic diseases. Identifiers: MedGen C0950123, MeSH D030342.

Submissions (2):

Ambry Genetics
Classification: Uncertain significance for Inborn genetic diseases. Last evaluated: 2026-06-11. Review status: criteria provided, single submitter. Criteria: Ambry Variant Classification Scheme 2023. Collection method: clinical testing. Allele origin: germline.

GeneDx
Classification: Uncertain significance. Last evaluated: 2024-02-01. Review status: criteria provided, single submitter. Criteria: GeneDx Variant Classification Process June 2021. Collection method: clinical testing. Allele origin: germline. Affected: yes.
Comment: Not observed at significant frequency in large population cohorts (gnomAD); In silico analysis supports that this missense variant does not alter protein structure/function; Has not been previously published as pathogenic or benign to our knowledge